The following is an entry in ClinVar:

NM_004958.4(MTOR):c.3791A>T (p.Asn1264Ile)

Gene: MTOR (mechanistic target of rapamycin kinase; minus strand). Cytogenetic location: 1p36.22.
Variant type: single nucleotide variant.
Coding change: c.3791A>T on transcript NM_004958.4 (MANE Select); coding-DNA position 3791, A replaced by T.
Protein change: p.Asn1264Ile; replaces asparagine 1264 with isoleucine.
Molecular consequence: missense variant.
Genome position (GRCh38, 1-based): chr1:11,209,322, T>A on the plus strand (A>T on the coding strand, the complement: MTOR is on the minus strand). VCF-style: chr1-11209322-T-A. GRCh37 (hg19) VCF-style: chr1-11269379-T-A.
Other names: c.3791A>T, p.Asn1264Ile (NM_001386500.1); c.2543A>T, p.Asn848Ile (NM_001386501.1); short protein forms N1264I, N848I.
Identifiers: ClinVar variation 3368774 (VCV003368774.1).

ClinVar aggregate classification (germline): Uncertain significance (1 of 4 stars; one submission).

Submission:

GeneDx
Classification: Uncertain significance. Last evaluated: 2024-02-02. Review status: criteria provided, single submitter. Criteria: GeneDx Variant Classification Process June 2021. Collection method: clinical testing. Allele origin: germline. Affected: yes.
Comment: Not observed at significant frequency in large population cohorts (gnomAD); In silico analysis supports that this missense variant has a deleterious effect on protein structure/function; Has not been previously published as pathogenic or benign to our knowledge